The following is an entry in ClinVar:

NM_001035.3(RYR2):c.10037G>A (p.Gly3346Glu)

Gene: RYR2 (ryanodine receptor 2; plus strand). Cytogenetic location: 1q43.
Variant type: single nucleotide variant.
Coding change: c.10037G>A on transcript NM_001035.3 (MANE Select); coding-DNA position 10037, G replaced by A.
Protein change: p.Gly3346Glu; replaces glycine 3346 with glutamic acid.
Molecular consequence: missense variant.
Genome position (GRCh38, 1-based): chr1:237,708,993, G>A. VCF-style: chr1-237708993-G-A. GRCh37 (hg19) VCF-style: chr1-237872293-G-A.
Other names: short protein forms G3346E.
Identifiers: ClinVar variation 1320776 (VCV001320776.6), dbSNP rs1688603399, ClinGen allele CA345410777.
Genomic context (GRCh38, chr1:237,708,993, plus strand): 5'-TCAAGAAAAAGGCAGCTACGGTGGTGTCTGAGGAAGACCACCTGAAAGCTGAGGCCAGGG[G>A]GGACATGTCGGAGGCAGAACTCCTCATCCTAGATGAGTTCACCACACTGGCCAGAGATCT-3'
Protein context (NP_001026.2, residues 3336-3356): EEDHLKAEAR[Gly3346Glu]DMSEAELLIL

ClinVar aggregate classification (germline): Uncertain significance. Review status: criteria provided, multiple submitters, no conflicts (2 of 4 stars). 2 submissions from 2 submitters: Uncertain significance (2). Last evaluated 2025-04-26.

Conditions:
Catecholaminergic polymorphic ventricular tachycardia 1. Also called: RYR2-Related Catecholaminergic Polymorphic Ventricular Tachycardia; VENTRICULAR TACHYCARDIA, CATECHOLAMINERGIC POLYMORPHIC, 1, WITH OR WITHOUT ATRIAL DYSFUNCTION AND/OR DILATED CARDIOMYOPATHY; VENTRICULAR TACHYCARDIA, STRESS-INDUCED POLYMORPHIC 1. Identifiers: Orphanet 3286, MedGen C1631597, MONDO:0011484, OMIM 604772.

Allele frequency attached by ClinVar (database versions not stated): TOPMed below 0.00001; gnomAD 0.00001.
gnomAD v4.1: 1 of 1,613,622 alleles (0.000062%); highest among the groups gnomAD compares: Non-Finnish European, 0.000085%; no homozygotes.

Submissions (2):

Labcorp Genetics (formerly Invitae), Labcorp
Classification: Uncertain significance for Catecholaminergic polymorphic ventricular tachycardia 1. Last evaluated: 2025-04-26. Review status: criteria provided, single submitter. Criteria: Invitae Variant Classification Sherloc (09022015). Collection method: clinical testing. Allele origin: germline.
Comment: This sequence change replaces glycine, which is neutral and non-polar, with glutamic acid, which is acidic and polar, at codon 3346 of the RYR2 protein (p.Gly3346Glu). This variant is not present in population databases (gnomAD no frequency). This missense change has been observed in individual(s) with catecholaminergic polymorphic ventricular tachycardia (internal data). It has also been observed to segregate with disease in related individuals. ClinVar contains an entry for this variant (Variation ID: 1320776). Invitae Evidence Modeling of protein sequence and biophysical properties (such as structural, functional, and spatial information, amino acid conservation, physicochemical variation, residue mobility, and thermodynamic stability) indicates that this missense variant is not expected to disrupt RYR2 protein function with a negative predictive value of 95%. In summary, the available evidence is currently insufficient to determine the role of this variant in disease. Therefore, it has been classified as a Variant of Uncertain Significance.

GeneDx
Classification: Uncertain significance. Last evaluated: 2020-07-23. Review status: criteria provided, single submitter. Criteria: GeneDx Variant Classification Process June 2021. Collection method: clinical testing. Allele origin: germline. Affected: yes.
Comment: Has not been previously published as pathogenic or benign to our knowledge; Not observed in large population cohorts (Lek et al., 2016); In silico analysis, which includes protein predictors and evolutionary conservation, supports a deleterious effect; Not located in one of the three hot-spot regions of the RYR2 gene, where the majority of pathogenic missense variants occur (Medeiros-Domingo et al., 2009)